The following is an entry in ClinVar:

NM_001754.5(RUNX1):c.1084T>G (p.Ser362Ala)

Gene: RUNX1 (RUNX family transcription factor 1; minus strand). Cytogenetic location: 21q22.12.
Variant type: single nucleotide variant.
Coding change: c.1084T>G on transcript NM_001754.5 (MANE Select); coding-DNA position 1084, T replaced by G.
Protein change: p.Ser362Ala; replaces serine 362 with alanine.
Molecular consequence: missense variant.
Genome position (GRCh38, 1-based): chr21:34,792,494, A>C on the plus strand (T>G on the coding strand, the complement: RUNX1 is on the minus strand). VCF-style: chr21-34792494-A-C. GRCh37 (hg19) VCF-style: chr21-36164791-A-C.
Other names: NM_001754.5(RUNX1):c.1084T>G; p.Ser362Ala; c.1003T>G, p.Ser335Ala (NM_001001890.3); short protein forms S362A, S335A.
Identifiers: ClinVar variation 933316 (VCV000933316.10), dbSNP rs2056458462, ClinGen allele CA410148185.

ClinVar aggregate classification (germline): Uncertain significance. Review status: reviewed by expert panel (3 of 4 stars). 2 submissions from 2 submitters: Uncertain significance (1). 1 of the submissions does not count toward it. Last evaluated 2025-02-25.

Conditions:
Hereditary thrombocytopenia and hematologic cancer predisposition syndrome. Identifiers: Orphanet 71290, MedGen CN281654, MONDO:0011071.
Hereditary thrombocytopenia and hematological cancer predisposition syndrome associated with RUNX1. Also called: PLATELET DISORDER, ASPIRIN-LIKE; Familial Platelet Disorder with Propensity to Acute Myelogenous Leukemia; Familial thrombocytopenia with propensity to acute myelogenous leukemia; RUNX1 Familial Platelet Disorder with Associated Myeloid Malignancies. Identifiers: Orphanet 71290, MedGen C1832388, MeSH C563324, MONDO:0100083, OMIM 601399.

Submissions (2):

ClinGen Myeloid Malignancy Variant Curation Expert Panel
Classification: Uncertain significance for Hereditary thrombocytopenia and hematologic cancer predisposition syndrome. Last evaluated: 2025-02-25. Review status: reviewed by expert panel. Criteria: ClinGen MyeloMalig ACMG Specifications v2. Collection method: curation. Allele origin: germline. Inheritance: Autosomal dominant inheritance.
Comment: NM_001754.5(RUNX1):c.1084T>G (p.Ser362Ala) is a missense variant that has a REVEL score < 0.50 (0.085) and a SpliceAI score ≤ 0.20 (0.0) (BP4). This variant is completely absent from all population databases with at least 20x coverage for RUNX1 (PM2_Supporting). In summary, the clinical significance of this variant is uncertain. ACMG/AMP criteria applied, as specified by the Myeloid Malignancy Variant Curation Expert Panel for RUNX1: PM2_Supporting, BP4

Labcorp Genetics (formerly Invitae), Labcorp
Classification: Uncertain significance for Hereditary thrombocytopenia and hematological cancer predisposition syndrome associated with RUNX1. Last evaluated: 2023-03-03. Review status: criteria provided, single submitter. Criteria: Invitae Variant Classification Sherloc (09022015). Collection method: clinical testing. Allele origin: germline. Not counted in ClinVar's aggregate classification.
Comment: ClinVar contains an entry for this variant (Variation ID: 933316). This variant has not been reported in the literature in individuals affected with RUNX1-related conditions. This variant is not present in population databases (gnomAD no frequency). This sequence change replaces serine, which is neutral and polar, with alanine, which is neutral and non-polar, at codon 362 of the RUNX1 protein (p.Ser362Ala). Advanced modeling of protein sequence and biophysical properties (such as structural, functional, and spatial information, amino acid conservation, physicochemical variation, residue mobility, and thermodynamic stability) performed at Invitae indicates that this missense variant is not expected to disrupt RUNX1 protein function. In summary, the available evidence is currently insufficient to determine the role of this variant in disease. Therefore, it has been classified as a Variant of Uncertain Significance.